The following is an entry in ClinVar:

NM_001378609.3(OTOGL):c.3566A>G (p.Gln1189Arg)

Gene: OTOGL (otogelin like; plus strand). Cytogenetic location: 12q21.31.
Variant type: single nucleotide variant.
Coding change: c.3566A>G on transcript NM_001378609.3 (MANE Select); coding-DNA position 3566, A replaced by G.
Protein change: p.Gln1189Arg; replaces glutamine 1189 with arginine.
Molecular consequence: missense variant.
Genome position (GRCh38, 1-based): chr12:80,313,591, A>G. VCF-style: chr12-80313591-A-G. GRCh37 (hg19) VCF-style: chr12-80707371-A-G.
Other names: c.3431A>G, p.Gln1144Arg (NM_001368062.3); c.3566A>G, p.Gln1189Arg (NM_001378610.3, NM_173591.7); short protein forms Q1180R, Q1144R, Q1189R.
Identifiers: ClinVar variation 504850 (VCV000504850.45), dbSNP rs200392453, ClinGen allele CA6701125.

ClinVar aggregate classification (germline): Uncertain significance. Review status: criteria provided, multiple submitters, no conflicts (2 of 4 stars). 7 submissions from 7 submitters: Uncertain significance (7). Last evaluated 2025-08-09.

Conditions:
Inborn genetic diseases. Identifiers: MedGen C0950123, MeSH D030342.
Autosomal recessive nonsyndromic hearing loss 84B. Also called: Deafness, autosomal recessive 84b. Identifiers: Orphanet 90636, MedGen C3554159, MONDO:0013984, OMIM 614944.

Allele frequency attached by ClinVar (database versions not stated): 1000 Genomes Project 0.00020; ExAC 0.00021; gnomAD exomes 0.00023 and 0.00074; gnomAD 0.00028 and 0.00029; 1000 Genomes Project 30x 0.00031; TOPMed 0.00031; ESP Exome Variant Server 0.00046.
gnomAD v4.1: 1,102 of 1,613,040 alleles (0.068%); highest among the groups gnomAD compares: Non-Finnish European, 0.091%; 1 homozygote.

Submissions (7):

GeneDx
Classification: Uncertain significance. Last evaluated: 2025-08-09. Review status: criteria provided, single submitter. Criteria: GeneDx Variant Classification Process June 2021. Collection method: clinical testing. Allele origin: germline. Affected: yes.
Comment: In silico analysis supports that this missense variant has a deleterious effect on protein structure/function; Has not been previously published as pathogenic or benign to our knowledge

Ambry Genetics
Classification: Uncertain significance for Inborn genetic diseases. Last evaluated: 2024-12-12. Review status: criteria provided, single submitter. Criteria: Ambry Variant Classification Scheme 2023. Collection method: clinical testing. Allele origin: germline.

Blueprint Genetics
Classification: Uncertain significance. Last evaluated: 2024-10-07. Review status: criteria provided, single submitter. Criteria: ACMG Guidelines, 2015. Collection method: clinical testing. Allele origin: germline.

CeGaT Center for Human Genetics Tuebingen
Classification: Uncertain significance. Last evaluated: 2023-09-01. Review status: criteria provided, single submitter. Criteria: CeGaT Center For Human Genetics Tuebingen Variant Classification Criteria Version 2. Collection method: clinical testing. Allele origin: germline. Affected: yes. Observed: 2 variant alleles.
Comment: OTOGL: PM2, BP4

Labcorp Genetics (formerly Invitae), Labcorp
Classification: Uncertain significance. Last evaluated: 2021-03-08. Review status: criteria provided, single submitter. Criteria: Invitae Variant Classification Sherloc (09022015). Collection method: clinical testing. Allele origin: germline.
Comment: This variant is present in population databases (rs200392453, ExAC 0.03%). This sequence change replaces glutamine with arginine at codon 1180 of the OTOGL protein (p.Gln1180Arg). The glutamine residue is highly conserved and there is a small physicochemical difference between glutamine and arginine. This variant has not been reported in the literature in individuals with OTOGL-related conditions. ClinVar contains an entry for this variant (Variation ID: 504850). In summary, the available evidence is currently insufficient to determine the role of this variant in disease. Therefore, it has been classified as a Variant of Uncertain Significance. Algorithms developed to predict the effect of missense changes on protein structure and function are either unavailable or do not agree on the potential impact of this missense change (SIFT: "Deleterious"; PolyPhen-2: "Probably Damaging"; Align-GVGD: "Class C0").

Laboratory for Molecular Medicine, Mass General Brigham Personalized Medicine
Classification: Uncertain significance. Last evaluated: 2020-09-16. Review status: criteria provided, single submitter. Criteria: ACMG Guidelines, 2015. Collection method: clinical testing. Allele origin: germline.
Comment: It has been identified in 0.04% (56/125812) of European chromosomes by gnomAD. Computational prediction tools and conservation analyses suggest that this variant may impact the protein, though this information is not predictive enough to determine pathogenicity. In summary, the clinical significance of the p.Gln1180Arg variant is uncertain. ACMG/AMP Criteria applied: PP3, PM2_Supporting.

Baylor Genetics
Classification: Uncertain significance for Autosomal recessive nonsyndromic hearing loss 84B. Last evaluated: 2019-03-11. Review status: criteria provided, single submitter. Criteria: ACMG Guidelines, 2015. Collection method: clinical testing. Allele origin: maternal. Affected: yes.
Comment: This variant was determined to be of uncertain significance according to ACMG Guidelines, 2015 [PMID:25741868].